The following is an entry in ClinVar:

NM_006946.4(SPTBN2):c.6209G>C (p.Cys2070Ser)

Gene: SPTBN2 (spectrin beta, non-erythrocytic 2; minus strand). Cytogenetic location: 11q13.2.
Variant type: single nucleotide variant.
Coding change: c.6209G>C on transcript NM_006946.4 (MANE Select); coding-DNA position 6209, G replaced by C.
Protein change: p.Cys2070Ser; replaces cysteine 2070 with serine.
Molecular consequence: missense variant.
Genome position (GRCh38, 1-based): chr11:66,688,675, C>G on the plus strand (G>C on the coding strand, the complement: SPTBN2 is on the minus strand). VCF-style: chr11-66688675-C-G. GRCh37 (hg19) VCF-style: chr11-66456146-C-G.
Other names: c.6230G>C, p.Cys2077Ser (NM_001411025.1); short protein forms C2070S, C2077S.
Identifiers: ClinVar variation 2816474 (VCV002816474.3), dbSNP rs1940320962, ClinGen allele CA381459370.

ClinVar aggregate classification (germline): Uncertain significance (1 of 4 stars; one submission).

Submission:

Labcorp Genetics (formerly Invitae), Labcorp
Classification: Uncertain significance. Last evaluated: 2022-11-24. Review status: criteria provided, single submitter. Criteria: Invitae Variant Classification Sherloc (09022015). Collection method: clinical testing. Allele origin: germline.
Comment: This sequence change replaces cysteine, which is neutral and slightly polar, with serine, which is neutral and polar, at codon 2070 of the SPTBN2 protein (p.Cys2070Ser). This variant is not present in population databases (gnomAD no frequency). This variant has not been reported in the literature in individuals affected with SPTBN2-related conditions. Advanced modeling of protein sequence and biophysical properties (such as structural, functional, and spatial information, amino acid conservation, physicochemical variation, residue mobility, and thermodynamic stability) performed at Invitae indicates that this missense variant is not expected to disrupt SPTBN2 protein function. In summary, the available evidence is currently insufficient to determine the role of this variant in disease. Therefore, it has been classified as a Variant of Uncertain Significance.